The following is an entry in ClinVar:

ClinVar aggregate classification (germline): Likely benign. Review status: criteria provided, single submitter (1 of 4 stars). 2 submissions from 2 submitters: Likely benign (1). 1 of the submissions does not count toward it. Last evaluated 2023-07-01.

Conditions:
FLNB-related disorder. Also called: FLNB-related condition; FLNB-related disorders. Identifiers: MedGen CN381095.

Allele frequency attached by ClinVar (database versions not stated): TOPMed below 0.00001; gnomAD 0.00003.
gnomAD v4.1: 17 of 1,613,864 alleles (0.0011%); highest among the groups gnomAD compares: East Asian, 0.013%; 1 homozygote.

Submissions (2):

CeGaT Center for Human Genetics Tuebingen
Classification: Likely benign. Last evaluated: 2023-07-01. Review status: criteria provided, single submitter. Criteria: CeGaT Center For Human Genetics Tuebingen Variant Classification Criteria Version 2. Collection method: clinical testing. Allele origin: germline. Affected: yes. Observed: 1 variant allele.
Comment: FLNB: BP4, BP7

PreventionGenetics, part of Exact Sciences
Classification: Likely benign for FLNB-related condition. Last evaluated: 2023-09-21. Review status: no assertion criteria provided. Collection method: clinical testing. Allele origin: germline. Not counted in ClinVar's aggregate classification.
Comment: This variant is classified as likely benign based on ACMG/AMP sequence variant interpretation guidelines (Richards et al. 2015 PMID: 25741868, with internal and published modifications).

NM_001457.4(FLNB):c.1143G>A (p.Thr381=)

Gene: FLNB (filamin B; plus strand). Cytogenetic location: 3p14.3.
Variant type: single nucleotide variant.
Coding change: c.1143G>A on transcript NM_001457.4 (MANE Select); coding-DNA position 1143, G replaced by A.
Protein change: p.Thr381=; no amino-acid change (threonine 381 retained).
Molecular consequence: synonymous variant.
Genome position (GRCh38, 1-based): chr3:58,097,973, G>A. VCF-style: chr3-58097973-G-A. GRCh37 (hg19) VCF-style: chr3-58083700-G-A.
Other names: c.1143G>A, p.Thr381= (NM_001164317.2, NM_001164318.2, NM_001164319.2); c.1143G>A (NM_001457.3).
Identifiers: ClinVar variation 2653914 (VCV002653914.25), dbSNP rs964198741, ClinGen allele CA75442322.